The following is an entry in ClinVar:

ClinVar aggregate classification (germline): Likely benign (0 of 4 stars; one submission).

Conditions:
CYP26C1-related disorder. Also called: CYP26C1-related condition.

gnomAD v4.1: 5 of 1,556,718 alleles (0.00032%); highest among the groups gnomAD compares: South Asian, 0.0046%; no homozygotes.

Submission:

PreventionGenetics, part of Exact Sciences
Classification: Likely benign for CYP26C1-related condition. Last evaluated: 2019-05-28. Review status: no assertion criteria provided. Collection method: clinical testing. Allele origin: germline.
Comment: This variant is classified as likely benign based on ACMG/AMP sequence variant interpretation guidelines (Richards et al. 2015 PMID: 25741868, with internal and published modifications).

NM_183374.3(CYP26C1):c.522G>C (p.Ala174=)

Genes: CYP26C1 (cytochrome P450 family 26 subfamily C member 1; plus strand), LOC130004371 (ATAC-STARR-seq lymphoblastoid active region 3782; plus strand). Cytogenetic location: 10q23.33.
Variant type: single nucleotide variant.
Coding change: c.522G>C on transcript NM_183374.3 (MANE Select); coding-DNA position 522, G replaced by C.
Protein change: p.Ala174=; no amino-acid change (alanine 174 retained).
Molecular consequence: synonymous variant.
Genome position (GRCh38, 1-based): chr10:93,062,812, G>C. VCF-style: chr10-93062812-G-C. GRCh37 (hg19) VCF-style: chr10-94822569-G-C.
Identifiers: ClinVar variation 3039433 (VCV003039433.2), dbSNP rs1408332340, ClinGen allele CA470789152.
Genomic context (GRCh38, chr10:93,062,812, plus strand): 5'-GGAGCGCTACGTGCCGCGCCTGCAGGGGGCGCTGCGGCATGAGGTGCGCTCCTGGTGCGC[G>C]GCGGGCGGGCCGGTCTCAGTCTACGACGCCTCCAAAGCGCTCACCTTCCGCATGGCCGCG-3'
Protein context (NP_899230.2, residues 164-184): ALRHEVRSWC[Ala174=]AGGPVSVYDA